The following is an entry in ClinVar:

ClinVar aggregate classification (germline): Likely benign (0 of 4 stars; one submission).

Conditions:
KIF26B-related disorder. Also called: KIF26B-related condition.

Allele frequency attached by ClinVar (database versions not stated): ESP Exome Variant Server 0.00008; 1000 Genomes Project 30x 0.00062; 1000 Genomes Project 0.00080.
gnomAD v4.1: 664 of 1,614,050 alleles (0.041%); highest among the groups gnomAD compares: South Asian, 0.45%; 7 homozygotes.

Submission:

PreventionGenetics, part of Exact Sciences
Classification: Likely benign for KIF26B-related condition. Last evaluated: 2020-01-02. Review status: no assertion criteria provided. Collection method: clinical testing. Allele origin: germline.
Comment: This variant is classified as likely benign based on ACMG/AMP sequence variant interpretation guidelines (Richards et al. 2015 PMID: 25741868, with internal and published modifications).

NM_018012.4(KIF26B):c.534C>T (p.Asn178=)

Gene: KIF26B (kinesin family member 26B; plus strand). Cytogenetic location: 1q44.
Variant type: single nucleotide variant.
Coding change: c.534C>T on transcript NM_018012.4 (MANE Select); coding-DNA position 534, C replaced by T.
Protein change: p.Asn178=; no amino-acid change (asparagine 178 retained).
Molecular consequence: synonymous variant.
Genome position (GRCh38, 1-based): chr1:245,366,902, C>T. VCF-style: chr1-245366902-C-T. GRCh37 (hg19) VCF-style: chr1-245530204-C-T.
Identifiers: ClinVar variation 3034809 (VCV003034809.2), dbSNP rs371384388, ClinGen allele CA1487418.